The following is an entry in ClinVar:

ClinVar aggregate classification (germline): Uncertain significance (1 of 4 stars; one submission).

Conditions:
Atrioventricular septal defect 4 (AVSD4). Identifiers: MedGen C3280781, MONDO:0013747, OMIM 614430.

Allele frequency attached by ClinVar (database versions not stated): gnomAD exomes below 0.00001.
gnomAD v4.1: 1 of 1,613,156 alleles (0.000062%); highest among the groups gnomAD compares: Non-Finnish European, 0.000085%; no homozygotes.

Submission:

Labcorp Genetics (formerly Invitae), Labcorp
Classification: Uncertain significance for Atrioventricular septal defect 4. Last evaluated: 2022-07-21. Review status: criteria provided, single submitter. Criteria: Invitae Variant Classification Sherloc (09022015). Collection method: clinical testing. Allele origin: germline.
Comment: This sequence change replaces threonine, which is neutral and polar, with serine, which is neutral and polar, at codon 330 of the GATA4 protein (p.Thr330Ser). This variant is not present in population databases (gnomAD no frequency). This variant has not been reported in the literature in individuals affected with GATA4-related conditions. Algorithms developed to predict the effect of missense changes on protein structure and function (SIFT, PolyPhen-2, Align-GVGD) all suggest that this variant is likely to be tolerated. In summary, the available evidence is currently insufficient to determine the role of this variant in disease. Therefore, it has been classified as a Variant of Uncertain Significance.

NM_001308093.3(GATA4):c.991A>T (p.Thr331Ser)

Gene: GATA4 (GATA binding protein 4). Cytogenetic location: 8p23.1.
Variant type: single nucleotide variant.
Coding change: c.991A>T on transcript NM_001308093.3 (MANE Select); coding-DNA position 991, A replaced by T.
Protein change: p.Thr331Ser; replaces threonine 331 with serine.
Molecular consequence: missense variant.
Genome position (GRCh38, 1-based): chr8:11,755,124, A>T. VCF-style: chr8-11755124-A-T. GRCh37 (hg19) VCF-style: chr8-11612633-A-T.
Other names: c.370A>T, p.Thr124Ser (NM_001308094.2, NM_001374273.1); c.244A>T, p.Thr82Ser (NM_001374274.1); c.988A>T, p.Thr330Ser (NM_002052.5); short protein forms T330S, T82S, T124S, T331S.
Identifiers: ClinVar variation 1967497 (VCV001967497.5), dbSNP rs2486996851, ClinGen allele CA370314572.